The following is an entry in ClinVar:

ClinVar aggregate classification (germline): Uncertain significance (1 of 4 stars; one submission).

Allele frequency attached by ClinVar (database versions not stated): gnomAD exomes below 0.00001; ExAC 0.00001; gnomAD 0.00001; TOPMed 0.00001.
gnomAD v4.1: 3 of 1,614,088 alleles (0.00019%); highest among the groups gnomAD compares: East Asian, 0.0022%; no homozygotes.

Submission:

GeneDx
Classification: Uncertain significance. Last evaluated: 2019-07-01. Review status: criteria provided, single submitter. Criteria: GeneDx Variant Classification Process June 2021. Collection method: clinical testing. Allele origin: germline. Affected: yes.
Comment: In silico analysis, which includes protein predictors and evolutionary conservation, supports that this variant does not alter protein structure/function; Has not been previously published as pathogenic or benign to our knowledge; Variants in candidate genes are classified as variants of uncertain significance in accordance with ACMG guidelines (Richards et al., 2015)

NM_014704.4(CEP104):c.991G>A (p.Gly331Arg)

Gene: CEP104 (centrosomal protein 104; minus strand). Cytogenetic location: 1p36.32.
Variant type: single nucleotide variant.
Coding change: c.991G>A on transcript NM_014704.4 (MANE Select); coding-DNA position 991, G replaced by A.
Protein change: p.Gly331Arg; replaces glycine 331 with arginine.
Molecular consequence: missense variant.
Genome position (GRCh38, 1-based): chr1:3,837,420, C>T on the plus strand (G>A on the coding strand, the complement: CEP104 is on the minus strand). VCF-style: chr1-3837420-C-T. GRCh37 (hg19) VCF-style: chr1-3753984-C-T.
Other names: short protein forms G331R.
Identifiers: ClinVar variation 1306839 (VCV001306839.2), dbSNP rs776762216, ClinGen allele CA551756.
Genomic context (GRCh38, chr1:3,837,420, plus strand): 5'-TTAGAGAATATGATGAAGGCTTTTCCTGAAGGAAAGGTTCTGCAAACTGGTTTTCTGTTC[C>T]TCTTTCTTCCAGTTGTGGTAGTGAGGGCATTGGCTTTTGGTGGCAAGGACTGCCAGAACG-3'
Protein context (NP_055519.1, residues 321-341): MPSLPQLEER[Gly331Arg]TENQFAEPFL